The following is an entry in ClinVar:

NM_001042472.3(ABHD12):c.917C>T (p.Thr306Ile)

Gene: ABHD12 (abhydrolase domain containing 12, lysophospholipase; minus strand). Cytogenetic location: 20p11.21.
Variant type: single nucleotide variant.
Coding change: c.917C>T on transcript NM_001042472.3 (MANE Select); coding-DNA position 917, C replaced by T.
Protein change: p.Thr306Ile; replaces threonine 306 with isoleucine.
Molecular consequence: missense variant.
Genome position (GRCh38, 1-based): chr20:25,306,866, G>A on the plus strand (C>T on the coding strand, the complement: ABHD12 is on the minus strand). VCF-style: chr20-25306866-G-A. GRCh37 (hg19) VCF-style: chr20-25287502-G-A.
Other names: c.917C>T, p.Thr306Ile (NM_015600.5); short protein forms T306I.
Identifiers: ClinVar variation 1498525 (VCV001498525.7), dbSNP rs748629765, ClinGen allele CA9795943.
Genomic context (GRCh38, chr20:25,306,866, plus strand): 5'-AATTAGTTCCTGTCCCATAATACTCACTTTTCATCATTTGCAAATTTAATTCCACTACTT[G>A]TAATAGGATCAAGGAAGAACCAGTCAAACCCAGGGAAGTATCGATATATCTGGAGACAAG-3'
Protein context (NP_001035937.1, residues 296-316): GFDWFFLDPI[Thr306Ile]SSGIKFANDE

ClinVar aggregate classification (germline): Uncertain significance (1 of 4 stars; one submission).

Allele frequency attached by ClinVar (database versions not stated): TOPMed 0.00001; ExAC 0.00002; gnomAD 0.00003.
gnomAD v4.1: 15 of 1,612,566 alleles (0.00093%); highest among the groups gnomAD compares: East Asian, 0.0022%; no homozygotes.

Submission:

Labcorp Genetics (formerly Invitae), Labcorp
Classification: Uncertain significance. Last evaluated: 2024-08-05. Review status: criteria provided, single submitter. Criteria: Invitae Variant Classification Sherloc (09022015). Collection method: clinical testing. Allele origin: germline.
Comment: This sequence change replaces threonine, which is neutral and polar, with isoleucine, which is neutral and non-polar, at codon 306 of the ABHD12 protein (p.Thr306Ile). This variant is present in population databases (rs748629765, gnomAD 0.002%). This variant has not been reported in the literature in individuals affected with ABHD12-related conditions. ClinVar contains an entry for this variant (Variation ID: 1498525). Advanced modeling of protein sequence and biophysical properties (such as structural, functional, and spatial information, amino acid conservation, physicochemical variation, residue mobility, and thermodynamic stability) performed at Invitae indicates that this missense variant is not expected to disrupt ABHD12 protein function with a negative predictive value of 80%. Algorithms developed to predict the effect of sequence changes on RNA splicing suggest that this variant may disrupt the consensus splice site. In summary, the available evidence is currently insufficient to determine the role of this variant in disease. Therefore, it has been classified as a Variant of Uncertain Significance.